The following is an entry in ClinVar:

NM_181523.3(PIK3R1):c.2006A>G (p.His669Arg)

Gene: PIK3R1 (phosphoinositide-3-kinase regulatory subunit 1; plus strand). Cytogenetic location: 5q13.1.
Variant type: single nucleotide variant.
Coding change: c.2006A>G on transcript NM_181523.3 (MANE Select); coding-DNA position 2006, A replaced by G.
Protein change: p.His669Arg; replaces histidine 669 with arginine.
Molecular consequence: missense variant.
Genome position (GRCh38, 1-based): chr5:68,297,432, A>G. VCF-style: chr5-68297432-A-G. GRCh37 (hg19) VCF-style: chr5-67593260-A-G.
Other names: c.917A>G, p.His306Arg (NM_001242466.2); c.1196A>G, p.His399Arg (NM_181504.4); c.1106A>G, p.His369Arg (NM_181524.2); short protein forms H306R, H369R, H399R, H669R.
Identifiers: ClinVar variation 1026585 (VCV001026585.9), dbSNP rs1747784886, ClinGen allele CA359885090.

ClinVar aggregate classification (germline): Uncertain significance (1 of 4 stars; one submission).

Conditions:
Immunodeficiency 36 with lymphoproliferation. Also called: ACTIVATED PI3K-DELTA SYNDROME 2; Activated PI3K Delta Syndrome Type 2 (APDS2); Immunodeficiency 36. Identifiers: Orphanet 397596, Orphanet 693681, MedGen C4014934, MONDO:0014453, OMIM 616005.
Agammaglobulinemia 7, autosomal recessive (AGM7). Also called: AGAMMAGLOBULINEMIA, AUTOSOMAL RECESSIVE, DUE TO PIK3R1 DEFECT. Identifiers: MedGen C3554689, MONDO:0014083, OMIM 615214.
SHORT syndrome. Also called: SHORT STATURE, HYPEREXTENSIBILITY, HERNIA, OCULAR DEPRESSION, RIEGER ANOMALY, AND TEETHING DELAY; PIK3R1-Related SHORT Syndrome; LIPODYSTROPHY, PARTIAL, WITH RIEGER ANOMALY AND SHORT STATURE. Identifiers: Orphanet 3163, MedGen C0878684, MONDO:0010026, OMIM 269880.

Submission:

Labcorp Genetics (formerly Invitae), Labcorp
Classification: Uncertain significance for SHORT syndrome; Immunodeficiency 36 with lymphoproliferation; Agammaglobulinemia 7, autosomal recessive. Last evaluated: 2025-11-27. Review status: criteria provided, single submitter. Criteria: Invitae Variant Classification Sherloc (09022015). Collection method: clinical testing. Allele origin: germline.
Comment: This sequence change replaces histidine, which is basic and polar, with arginine, which is basic and polar, at codon 669 of the PIK3R1 protein (p.His669Arg). This variant is not present in population databases (gnomAD no frequency). This variant has not been reported in the literature in individuals affected with PIK3R1-related conditions. ClinVar contains an entry for this variant (Variation ID: 1026585). Invitae Evidence Modeling of protein sequence and biophysical properties (such as structural, functional, and spatial information, amino acid conservation, physicochemical variation, residue mobility, and thermodynamic stability) indicates that this missense variant is expected to disrupt PIK3R1 protein function with a positive predictive value of 80%. In summary, the available evidence is currently insufficient to determine the role of this variant in disease. Therefore, it has been classified as a Variant of Uncertain Significance.